The following is an entry in ClinVar:

NM_001244008.2(KIF1A):c.1119G>A (p.Lys373=)

Gene: KIF1A (kinesin family member 1A; minus strand). Cytogenetic location: 2q37.3.
Variant type: single nucleotide variant.
Coding change: c.1119G>A on transcript NM_001244008.2 (MANE Select); coding-DNA position 1119, G replaced by A.
Protein change: p.Lys373=; no amino-acid change (lysine 373 retained).
Molecular consequence: synonymous variant.
Genome position (GRCh38, 1-based): chr2:240,773,175, C>T on the plus strand (G>A on the coding strand, the complement: KIF1A is on the minus strand). VCF-style: chr2-240773175-C-T. GRCh37 (hg19) VCF-style: chr2-241712592-C-T.
Other names: c.1119G>A, p.Lys373= (NM_001320705.2, NM_001330289.2, NM_001330290.2 and 20 more transcripts); c.1119G>A (NM_001244008.1).
Identifiers: ClinVar variation 741162 (VCV000741162.8), dbSNP rs751478068, ClinGen allele CA2208540.
Genomic context (GRCh38, chr2:240,773,175, plus strand): 5'-GTCAGTGATGTCGCCAAGACCCTGGGCGTACAGAAGGTCCCGCAGCCGGGTCACCTCATC[C>T]TTCAGCTCGCGGATCAGCTTGTTGTTGGGGTCCTCATTGATGACAGCATTGCAGCGGATC-3'
Protein context (NP_001230937.1, residues 363-383): DPNNKLIREL[Lys373=]DEVTRLRDLL

ClinVar aggregate classification (germline): Likely benign. Review status: criteria provided, multiple submitters, no conflicts (2 of 4 stars). 2 submissions from 2 submitters: Likely benign (2). Last evaluated 2026-09-04.

Conditions:
KIF1A-related disorder. Also called: KIF1A-related disorders; KIF1A-related condition.
Hereditary spastic paraplegia 30. Identifiers: Orphanet 101010, MedGen C5235139, MONDO:0012476.
Intellectual disability, autosomal dominant 9 (NESCAVS). Also called: NESCAV SYNDROME; KIF1A-Related Neurodevelopmental Disorder. Identifiers: Orphanet 662367, MedGen C5393830, MONDO:0013656, OMIM 614255.
Neuropathy, hereditary sensory, type 2C. Also called: Hereditary sensory and autonomic neuropathy type IIC; KIF1A-Related HSAN2 (HSAN2C). Identifiers: Orphanet 970, MedGen C3280168, MONDO:0013634, OMIM 614213.

Allele frequency attached by ClinVar (database versions not stated): TOPMed below 0.00001; gnomAD 0.00001; gnomAD exomes 0.00002 and 0.00008; ExAC 0.00016.
gnomAD v4.1: 41 of 1,613,878 alleles (0.0025%); highest among the groups gnomAD compares: Non-Finnish European, 0.0028%; no homozygotes.

Submissions (2):

PreventionGenetics, part of Exact Sciences
Classification: Likely benign for KIF1A-related condition. Last evaluated: 2026-09-04. Review status: criteria provided, single submitter. Criteria: ACMG Guidelines, 2015. Collection method: clinical testing. Allele origin: germline.
Comment: This variant is classified as likely benign based on ACMG/AMP sequence variant interpretation guidelines (Richards et al. 2015 PMID: 25741868, with internal and published modifications).

Labcorp Genetics (formerly Invitae), Labcorp
Classification: Likely benign for Hereditary spastic paraplegia 30; Neuropathy, hereditary sensory, type 2C; Intellectual disability, autosomal dominant 9. Last evaluated: 2023-10-18. Review status: criteria provided, single submitter. Criteria: Invitae Variant Classification Sherloc (09022015). Collection method: clinical testing. Allele origin: germline.